The following is an entry in ClinVar:

ClinVar aggregate classification (germline): Pathogenic. Review status: criteria provided, multiple submitters, no conflicts (2 of 4 stars). 6 submissions from 6 submitters: Pathogenic (6). Last evaluated 2025-08-21.

Conditions:
Hereditary cancer-predisposing syndrome. Also called: Tumor predisposition; Neoplastic Syndromes, Hereditary; Hereditary Cancer Syndrome; Hereditary neoplastic syndrome. Identifiers: Orphanet 140162, MedGen C0027672, MeSH D009386, MONDO:0015356.
Familial cancer of breast. Also called: BREAST CANCER, FAMILIAL; Hereditary breast cancer; hereditary breast carcinoma. Identifiers: Orphanet 227535, MedGen C0346153, MONDO:0016419, OMIM 114480. Disease mechanism: loss of function.
Ataxia-telangiectasia syndrome (AT). Also called: Cerebello-oculocutaneous telangiectasia; Immunodeficiency with ataxia telangiectasia; ATAXIA-TELANGIECTASIA, COMPLEMENTATION GROUP A; Ataxia-telangiectasia, complementation group D; AT, COMPLEMENTATION GROUP C; ATAXIA-TELANGIECTASIA, FRESNO VARIANT. Identifiers: Orphanet 100, MedGen C0004135, MONDO:0008840, OMIM 208900.

Submissions (6):

Ambry Genetics
Classification: Pathogenic for Hereditary cancer-predisposing syndrome. Last evaluated: 2025-08-21. Review status: criteria provided, single submitter. Criteria: Ambry Variant Classification Scheme 2023. Collection method: clinical testing. Allele origin: germline.
Comment: The p.Y1529* pathogenic mutation (also known as c.4587T>G), located in coding exon 29 of the ATM gene, results from a T to G substitution at nucleotide position 4587. This changes the amino acid from a tyrosine to a stop codon within coding exon 29. This variant has been identified in the homozygous state and/or in conjunction with other ATM variant(s) in individual(s) with features consistent with ataxia telangiectasia (Heinrich T et al. Eur. J. Pediatr., 2006 Apr;165:250-7). This alteration is expected to result in loss of function by premature protein truncation or nonsense-mediated mRNA decay. As such, this alteration is interpreted as a disease-causing mutation.

Color Diagnostics, LLC DBA Color Health
Classification: Pathogenic for Hereditary cancer-predisposing syndrome. Last evaluated: 2024-10-29. Review status: criteria provided, single submitter. Criteria: ACMG Guidelines, 2015. Collection method: clinical testing. Allele origin: germline.
Comment: This variant changes 1 nucleotide in exon 30/63 of the ATM gene, creating a premature translation stop signal. This variant is expected to result in an absent or non-functional protein product. This variant has been observed with a second pathogenic variant in individuals affected with autosomal recessive ataxia-telangiectasia (PMID: 16411093, 21833744), indicating that this variant contributes to disease. This variant has not been identified in the general population by the Genome Aggregation Database (gnomAD). Loss of ATM function is a known mechanism of disease. Based on the available evidence, this variant is classified as Pathogenic.

Labcorp Genetics (formerly Invitae), Labcorp
Classification: Pathogenic for Ataxia-telangiectasia syndrome. Last evaluated: 2024-01-31. Review status: criteria provided, single submitter. Criteria: Invitae Variant Classification Sherloc (09022015). Collection method: clinical testing. Allele origin: germline.
Comment: This sequence change creates a premature translational stop signal (p.Tyr1529*) in the ATM gene. It is expected to result in an absent or disrupted protein product. Loss-of-function variants in ATM are known to be pathogenic (PMID: 23807571, 25614872). This variant is not present in population databases (gnomAD no frequency). This premature translational stop signal has been observed in individual(s) with ataxia telangiectasia (PMID: 16411093). ClinVar contains an entry for this variant (Variation ID: 479008). Algorithms developed to predict the effect of sequence changes on RNA splicing suggest that this variant may disrupt the consensus splice site. For these reasons, this variant has been classified as Pathogenic.

Myriad Genetics, Inc.
Classification: Pathogenic for Familial cancer of breast. Last evaluated: 2024-01-24. Review status: criteria provided, single submitter. Criteria: Myriad Autosomal Dominant, Autosomal Recessive and X-Linked Classification Criteria (2023). Collection method: clinical testing. Allele origin: unknown.
Comment: This variant is considered pathogenic. This variant creates a termination codon and is predicted to result in premature protein truncation.

MGZ Medical Genetics Center
Classification: Pathogenic for Familial cancer of breast. Last evaluated: 2022-08-03. Review status: criteria provided, single submitter. Criteria: ACMG Guidelines, 2015. Collection method: clinical testing. Allele origin: germline. Affected: yes. Observed: 3 variant alleles.
Comment: ACMG criteria applied: PVS1, PM3, PS4_SUP, PM2_SUP

Mendelics
Classification: Pathogenic for Ataxia-telangiectasia syndrome. Last evaluated: 2018-07-02. Review status: criteria provided, single submitter. Criteria: Mendelics Assertion Criteria 2017. Collection method: clinical testing. Allele origin: unknown.

Literature cited by the submitters: PubMed 16411093 (cited by 3 submitters); PubMed 21833744 (cited by Color Diagnostics, LLC DBA Color Health); PubMed 23807571 (cited by Labcorp Genetics (formerly Invitae), Labcorp); PubMed 25614872 (cited by Labcorp Genetics (formerly Invitae), Labcorp).

NM_000051.4(ATM):c.4587T>G (p.Tyr1529Ter)

Gene: ATM (ATM serine/threonine kinase; plus strand). Cytogenetic location: 11q22.3.
Variant type: single nucleotide variant.
Coding change: c.4587T>G on transcript NM_000051.4 (MANE Select); coding-DNA position 4587, T replaced by G.
Protein change: p.Tyr1529Ter; replaces tyrosine 1529 with a stop codon.
Molecular consequence: nonsense.
Genome position (GRCh38, 1-based): chr11:108,292,769, T>G. VCF-style: chr11-108292769-T-G. GRCh37 (hg19) VCF-style: chr11-108163496-T-G.
Other names: c.4587T>G, p.Tyr1529Ter (NM_001351834.2); short protein forms Y1529*.
Identifiers: ClinVar variation 479008 (VCV000479008.23), dbSNP rs1555100005, ClinGen allele CA382533971.
Genomic context (GRCh38, chr11:108,292,769, plus strand): 5'-TAAGGATGCTCTAGAAAACCATCTTCATGTTATTGTTGGTACACTTATACCCCTTGTGTA[T>G]GAGCAGGTGGAGGTTCAGAAACAGGTAATTTTCTGACTCATCTTCAAAATGGTATTTAAA-3'